The following is an entry in ClinVar:

ClinVar aggregate classification (germline): Likely benign (1 of 4 stars; one submission).

gnomAD v4.1: 14,159 of 1,483,458 alleles (0.95%); highest among the groups gnomAD compares: Non-Finnish European, 1.1%; 97 homozygotes.

Submission:

GeneDx
Classification: Likely benign. Last evaluated: 2020-06-29. Review status: criteria provided, single submitter. Criteria: GeneDx Variant Classification Process June 2021. Collection method: clinical testing. Allele origin: germline. Affected: yes.
Comment: See Variant Classification Assertion Criteria.

NM_015978.3(TNNI3K):c.-29C>T

Genes: FPGT-TNNI3K (FPGT-TNNI3K readthrough; plus strand), TNNI3K (TNNI3 interacting kinase; plus strand). Cytogenetic location: 1p31.1.
Variant type: single nucleotide variant.
Coding change: c.-29C>T on transcript NM_015978.3 (MANE Select); 29 bases upstream of the start codon, C replaced by T.
Molecular consequence: 5 prime UTR variant. On other transcripts: intron variant (2).
Genome position (GRCh38, 1-based): chr1:74,235,423, C>T. VCF-style: chr1-74235423-C-T. GRCh37 (hg19) VCF-style: chr1-74701107-C-T.
Other names: c.344-679C>T (NM_001112808.3, NM_001199327.2).
Identifiers: ClinVar variation 4813941 (VCV004813941.1).
Genomic context (GRCh38, chr1:74,235,423, plus strand): 5'-GTATTTTTCAACTGGACTGTCACTGCACTTGAACTTGGAATCTTATAACTTGAAGAACTG[C>T]CCTGGAGAAAGGAAGAAACTTATAATAAATGGGAAATTATAAATCTAGACCAACCCAAAC-3'